The following is an entry in ClinVar:

NM_005482.3(PIGK):c.159C>T (p.Ser53=)

Gene: PIGK (phosphatidylinositol glycan anchor biosynthesis class K; minus strand). Cytogenetic location: 1p31.1.
Variant type: single nucleotide variant.
Coding change: c.159C>T on transcript NM_005482.3 (MANE Select); coding-DNA position 159, C replaced by T.
Protein change: p.Ser53=; no amino-acid change (serine 53 retained).
Molecular consequence: synonymous variant.
Genome position (GRCh38, 1-based): chr1:77,206,720, G>A on the plus strand (C>T on the coding strand, the complement: PIGK is on the minus strand). VCF-style: chr1-77206720-G-A. GRCh37 (hg19) VCF-style: chr1-77672405-G-A.
Identifiers: ClinVar variation 4823368 (VCV004823368.4).

ClinVar aggregate classification (germline): Likely benign (1 of 4 stars; one submission).

Submission:

CeGaT Center for Human Genetics Tuebingen
Classification: Likely benign. Last evaluated: 2026-02-01. Review status: criteria provided, single submitter. Criteria: CeGaT Center For Human Genetics Tuebingen Variant Classification Criteria Version 2. Collection method: clinical testing. Allele origin: germline. Affected: yes. Observed: 1 variant allele.
Comment: PIGK: PM2:Supporting, BP4, BP7